The following is an entry in ClinVar:

ClinVar aggregate classification (germline): Uncertain significance. Review status: criteria provided, multiple submitters, no conflicts (2 of 4 stars). 2 submissions from 2 submitters: Uncertain significance (2). Last evaluated 2025-11-13.

Conditions:
Hereditary cancer-predisposing syndrome. Also called: Tumor predisposition; Hereditary Cancer Syndrome; Neoplastic Syndromes, Hereditary; Hereditary neoplastic syndrome. Identifiers: Orphanet 140162, MedGen C0027672, MeSH D009386, MONDO:0015356.
Multiple endocrine neoplasia, type 2 (MEN2). Identifiers: Orphanet 653, MedGen C4048306, MONDO:0019003. Disease mechanism: gain of function.

Submissions (2):

Labcorp Genetics (formerly Invitae), Labcorp
Classification: Uncertain significance for Multiple endocrine neoplasia, type 2. Last evaluated: 2025-11-13. Review status: criteria provided, single submitter. Criteria: Invitae Variant Classification Sherloc (09022015). Collection method: clinical testing. Allele origin: germline.
Comment: This sequence change replaces arginine, which is basic and polar, with glycine, which is neutral and non-polar, at codon 886 of the RET protein (p.Arg886Gly). This variant is not present in population databases (gnomAD no frequency). This variant has not been reported in the literature in individuals affected with RET-related conditions. ClinVar contains an entry for this variant (Variation ID: 1794379). An algorithm developed to predict the effect of missense changes on protein structure and function (PolyPhen-2) suggests that this variant is likely to be disruptive. In summary, the available evidence is currently insufficient to determine the role of this variant in disease. Therefore, it has been classified as a Variant of Uncertain Significance.

Ambry Genetics
Classification: Uncertain significance for Hereditary cancer-predisposing syndrome. Last evaluated: 2021-04-12. Review status: criteria provided, single submitter. Criteria: Ambry Variant Classification Scheme 2023. Collection method: clinical testing. Allele origin: germline.
Comment: The p.R886G variant (also known as c.2656C>G), located in coding exon 15 of the RET gene, results from a C to G substitution at nucleotide position 2656. The arginine at codon 886 is replaced by glycine, an amino acid with dissimilar properties. This amino acid position is highly conserved in available vertebrate species. In addition, this alteration is predicted to be deleterious by in silico analysis. Since supporting evidence is limited at this time, the clinical significance of this alteration remains unclear.

NM_020975.6(RET):c.2656C>G (p.Arg886Gly)

Gene: RET (ret proto-oncogene; plus strand). Cytogenetic location: 10q11.21.
Variant type: single nucleotide variant.
Coding change: c.2656C>G on transcript NM_020975.6 (MANE Select); coding-DNA position 2656, C replaced by G.
Protein change: p.Arg886Gly; replaces arginine 886 with glycine.
Molecular consequence: missense variant.
Genome position (GRCh38, 1-based): chr10:43,120,129, C>G. VCF-style: chr10-43120129-C-G. GRCh37 (hg19) VCF-style: chr10-43615577-C-G.
Other names: c.2656C>G, p.Arg886Gly (NM_000323.2, NM_001406743.1, NM_001406744.1 and 4 more transcripts); c.1894C>G, p.Arg632Gly (NM_001355216.2); c.2527C>G, p.Arg843Gly (NM_001406761.1, NM_001406762.1, NM_001406764.1); c.2521C>G, p.Arg841Gly (NM_001406763.1, NM_001406765.1); c.2368C>G, p.Arg790Gly (NM_001406766.1, NM_001406767.1, NM_001406770.1); c.2392C>G, p.Arg798Gly (NM_001406768.1); c.2260C>G, p.Arg754Gly (NM_001406769.1, NM_001406772.1); c.2218C>G, p.Arg740Gly (NM_001406771.1, NM_001406773.1); and 10 more; short protein forms R403G, R632G, R740G, R491G, R542G, R587G, R841G, R843G.
Identifiers: ClinVar variation 1794379 (VCV001794379.7), dbSNP rs146838520, ClinGen allele CA376557160.